The following is an entry in ClinVar:

NM_000352.6(ABCC8):c.4314C>T (p.Asn1438=)

Gene: ABCC8 (ATP binding cassette subfamily C member 8; minus strand). Cytogenetic location: 11p15.1.
Variant type: single nucleotide variant.
Coding change: c.4314C>T on transcript NM_000352.6 (MANE Select); coding-DNA position 4314, C replaced by T.
Protein change: p.Asn1438=; no amino-acid change (asparagine 1438 retained).
Molecular consequence: synonymous variant. On other transcripts: non-coding transcript variant (1).
Genome position (GRCh38, 1-based): chr11:17,395,269, G>A on the plus strand (C>T on the coding strand, the complement: ABCC8 is on the minus strand). VCF-style: chr11-17395269-G-A. GRCh37 (hg19) VCF-style: chr11-17416816-G-A.
Other names: c.4317C>T, p.Asn1439= (NM_001287174.3); c.4380C>T, p.Asn1460= (NM_001351295.2); c.4314C>T, p.Asn1438= (NM_001351296.2); c.4311C>T, p.Asn1437= (NM_001351297.2).
Identifiers: ClinVar variation 210079 (VCV000210079.18), dbSNP rs752809991, ClinGen allele CA207956.

ClinVar aggregate classification (germline): Conflicting classifications of pathogenicity. Review status: criteria provided, conflicting classifications (1 of 4 stars). 7 submissions from 6 submitters: Uncertain significance (3); Likely benign (4). Last evaluated 2025-10-27.

Conditions:
Inborn genetic diseases. Identifiers: MedGen C0950123, MeSH D030342.
Transitory neonatal diabetes mellitus. Also called: Transient neonatal diabetes mellitus. Identifiers: MedGen C0342273, MONDO:0020525, HP:0008255.
Maturity-onset diabetes of the young (MODY). Also called: Maturity onset diabetes mellitus in young. Identifiers: Orphanet 552, MedGen C0342276, MONDO:0018911, HP:0004904.

Allele frequency attached by ClinVar (database versions not stated): gnomAD exomes 0.00001; TOPMed 0.00001; ExAC 0.00002.
gnomAD v4.1: 49 of 1,588,186 alleles (0.0031%); highest among the groups gnomAD compares: Admixed American, 0.0053%; no homozygotes.

Submissions (7):

Women's Health and Genetics/Laboratory Corporation of America, LabCorp
Classification: Likely benign. Last evaluated: 2025-10-27. Review status: criteria provided, single submitter. Criteria: LabCorp Variant Classification Summary - May 2015. Collection method: clinical testing. Allele origin: germline.

Labcorp Genetics (formerly Invitae), Labcorp
Classification: Likely benign. Last evaluated: 2025-07-30. Review status: criteria provided, single submitter. Criteria: Invitae Variant Classification Sherloc (09022015). Collection method: clinical testing. Allele origin: germline.

Ambry Genetics
Classification: Likely benign for Inborn genetic diseases. Last evaluated: 2025-04-02. Review status: criteria provided, single submitter. Criteria: Ambry Variant Classification Scheme 2023. Collection method: clinical testing. Allele origin: germline.

Blueprint Genetics
Classification: Likely benign. Last evaluated: 2024-11-11. Review status: criteria provided, single submitter. Criteria: ACMG Guidelines, 2015. Collection method: clinical testing. Allele origin: germline.

Genetic Services Laboratory, University of Chicago
Classification: Uncertain significance. Last evaluated: 2014-10-30. Review status: criteria provided, single submitter. Criteria: ACMG Guidelines, 2015. Collection method: clinical testing. Allele origin: germline.

Clinical Genomics, Uppaluri K&H Personalized Medicine Clinic
Classification: Uncertain significance for Transitory neonatal diabetes mellitus. Review status: criteria provided, single submitter. Criteria: K & H Uppaluri Personalized Medicine Clinic Variant Classification & Assertion Criteria_Updated V.1. Collection method: research. Allele origin: somatic. Inheritance: Somatic mutation.
Comment: Mutations in ABCC8 gene are associated with both neonatal diabetes mellitus as well as MODY. Patients with this mutation may have a better response to sulfonylureas. However, no sufficient evidence is found to ascertain the role of this particular variant ( rs752809991 ) in neonatal diabetes yet.

Clinical Genomics, Uppaluri K&H Personalized Medicine Clinic
Classification: Uncertain significance for Maturity-onset diabetes of the young. Review status: criteria provided, single submitter. Criteria: K & H Uppaluri Personalized Medicine Clinic Variant Classification & Assertion Criteria_Updated V.1. Collection method: research. Allele origin: somatic. Inheritance: Somatic mutation.
Comment: Mutations in ABCC8 gene are associated with both neonatal diabetes mellitus as well as MODY. Patients with this mutation may have a better response to sulfonylureas. However, no sufficient evidence is found to ascertain the role of this particular variant ( rs752809991) in MODY yet.

Literature cited by the submitters: PubMed 16885549 (cited by Clinical Genomics, Uppaluri K&H Personalized Medicine Clinic); PubMed 21989597 (cited by Clinical Genomics, Uppaluri K&H Personalized Medicine Clinic); PubMed 27538677 (cited by Clinical Genomics, Uppaluri K&H Personalized Medicine Clinic); PubMed 18981553 (cited by Clinical Genomics, Uppaluri K&H Personalized Medicine Clinic); PubMed 32027066 (cited by Clinical Genomics, Uppaluri K&H Personalized Medicine Clinic); PubMed 16613899 (cited by Clinical Genomics, Uppaluri K&H Personalized Medicine Clinic); PubMed 18025408 (cited by Clinical Genomics, Uppaluri K&H Personalized Medicine Clinic); PubMed 32792356 (cited by Clinical Genomics, Uppaluri K&H Personalized Medicine Clinic).